The following is an entry in ClinVar:

NM_002618.4(PEX13):c.202G>A (p.Val68Met)

Gene: PEX13 (peroxisomal biogenesis factor 13; plus strand). Cytogenetic location: 2p15.
Variant type: single nucleotide variant.
Coding change: c.202G>A on transcript NM_002618.4 (MANE Select); coding-DNA position 202, G replaced by A.
Protein change: p.Val68Met; replaces valine 68 with methionine.
Molecular consequence: missense variant.
Genome position (GRCh38, 1-based): chr2:61,031,528, G>A. VCF-style: chr2-61031528-G-A. GRCh37 (hg19) VCF-style: chr2-61258663-G-A.
Other names: short protein forms V68M.
Identifiers: ClinVar variation 498740 (VCV000498740.7), dbSNP rs1553423403, ClinGen allele CA346941535.
Genomic context (GRCh38, chr2:61,031,528, plus strand): 5'-CTTACCAGAGTGCCCCCACCTATTCTTCCAAGGCCATCACAGCAGACAGGAAGTAGCAGT[G>A]TGAACACTTTTAGACCTGCTTACAGTTCATTTTCTTCTGGATATGGTGCCTATGGAAATT-3'
Protein context (NP_002609.1, residues 58-78): RPSQQTGSSS[Val68Met]NTFRPAYSSF

ClinVar aggregate classification (germline): Uncertain significance. Review status: criteria provided, multiple submitters, no conflicts (2 of 4 stars). 2 submissions from 2 submitters: Uncertain significance (2). Last evaluated 2021-08-18.

Conditions:
Peroxisome biogenesis disorder 11A (Zellweger). Also called: Peroxisome biogenesis disorder 11A. Identifiers: Orphanet 912, MedGen C3554000, MONDO:0013949, OMIM 614883.

Allele frequency attached by ClinVar (database versions not stated): gnomAD exomes below 0.00001.
gnomAD v4.1: 5 of 1,614,142 alleles (0.00031%); highest among the groups gnomAD compares: Non-Finnish European, 0.00042%; no homozygotes.

Submissions (2):

Labcorp Genetics (formerly Invitae), Labcorp
Classification: Uncertain significance for Peroxisome biogenesis disorder 11A (Zellweger). Last evaluated: 2021-08-18. Review status: criteria provided, single submitter. Criteria: Invitae Variant Classification Sherloc (09022015). Collection method: clinical testing. Allele origin: germline.
Comment: This sequence change replaces valine with methionine at codon 68 of the PEX13 protein (p.Val68Met). The valine residue is weakly conserved and there is a small physicochemical difference between valine and methionine. This variant is not present in population databases (ExAC no frequency). This variant has not been reported in the literature in individuals affected with PEX13-related conditions. ClinVar contains an entry for this variant (Variation ID: 498740). Algorithms developed to predict the effect of missense changes on protein structure and function output the following: SIFT: "Tolerated"; PolyPhen-2: "Benign"; Align-GVGD: "Class C0". The methionine amino acid residue is found in multiple mammalian species, which suggests that this missense change does not adversely affect protein function. In summary, the available evidence is currently insufficient to determine the role of this variant in disease. Therefore, it has been classified as a Variant of Uncertain Significance.

Eurofins Ntd Llc (ga)
Classification: Uncertain significance. Last evaluated: 2016-11-18. Review status: criteria provided, single submitter. Criteria: EGL Classification Definitions 2015. Collection method: clinical testing. Allele origin: germline. Observed: 1 variant allele, 1 heterozygote.